The following is an entry in ClinVar:

ClinVar aggregate classification (germline): Pathogenic/Likely pathogenic. Review status: criteria provided, multiple submitters, no conflicts (2 of 4 stars). 2 submissions from 2 submitters: Pathogenic (1); Likely pathogenic (1). Last evaluated 2023-10-19.

Conditions:
Multiple acyl-CoA dehydrogenase deficiency (MADD). Also called: ETHYLMALONIC-ADIPICACIDURIA; GA II; Glutaric Acidemia type 2; Glutaric aciduria, type 2; Glutaric acidemia type II; GA 2. Identifiers: Orphanet 26791, MedGen C0268596, MONDO:0009282, OMIM 231680.

Submissions (2):

Baylor Genetics
Classification: Likely pathogenic for Multiple acyl-CoA dehydrogenase deficiency. Last evaluated: 2023-10-19. Review status: criteria provided, single submitter. Criteria: ACMG Guidelines, 2015. Collection method: clinical testing. Allele origin: unknown.

Labcorp Genetics (formerly Invitae), Labcorp
Classification: Pathogenic for Multiple acyl-CoA dehydrogenase deficiency. Last evaluated: 2022-11-29. Review status: criteria provided, single submitter. Criteria: Invitae Variant Classification Sherloc (09022015). Collection method: clinical testing. Allele origin: germline.
Comment: This sequence change creates a premature translational stop signal (p.Gln100Valfs*15) in the ETFA gene. It is expected to result in an absent or disrupted protein product. Loss-of-function variants in ETFA are known to be pathogenic (PMID: 16510302, 23785301). This variant is present in population databases (rs762158164, gnomAD 0.002%). For these reasons, this variant has been classified as Pathogenic. This variant has not been reported in the literature in individuals affected with ETFA-related conditions.

Literature cited by the submitters: PubMed 16510302 (cited by Labcorp Genetics (formerly Invitae), Labcorp); PubMed 23785301 (cited by Labcorp Genetics (formerly Invitae), Labcorp).

NM_000126.4(ETFA):c.298_325del (p.Gln100fs)

Gene: ETFA (electron transfer flavoprotein subunit alpha; minus strand). Cytogenetic location: 15q24.2.
Variant type: Deletion.
Coding change: c.298_325del on transcript NM_000126.4 (MANE Select); coding-DNA positions 298 to 325, 28 bases deleted (CAGAAGCAGTTCAATTACACACACATCT).
Protein change: p.Gln100fs; shifts the reading frame from glutamine 100.
Molecular consequence: frameshift variant.
Genome position (GRCh38, 1-based): chr15:76,292,457-76,292,484, AGATGTGTGTGTAATTGAACTGCTTCTG deleted on the plus strand (CAGAAGCAGTTCAATTACACACACATCT on the coding strand, the reverse complement: ETFA is on the minus strand); deleting any 28 consecutive bases within chr15:76,292,457-76,292,486 gives the same sequence; the c. name uses the placement nearest the transcript's 3' end. VCF-style (leftmost placement, unchanged base first): chr15-76292456-CAGATGTGTGTGTAATTGAACTGCTTCTG-C. GRCh37 (hg19) VCF-style: chr15-76584797-CAGATGTGTGTGTAATTGAACTGCTTCTG-C.
Other names: c.151_178del, p.Gln51fs (NM_001127716.2); short protein forms Q100fs, Q51fs.
Identifiers: ClinVar variation 2675072 (VCV002675072.4), dbSNP rs762158164, ClinGen allele CA7673796.